The following is an entry in ClinVar:

NM_001077365.2(POMT1):c.699+68T>C

Gene: POMT1 (protein O-mannosyltransferase 1; plus strand). Cytogenetic location: 9q34.13.
Variant type: single nucleotide variant.
Coding change: c.699+68T>C on transcript NM_001077365.2 (MANE Select); 68 bases into the intron after coding-DNA position 699, T replaced by C.
Molecular consequence: intron variant. On other transcripts: missense variant (1), splice donor variant (6).
Genome position (GRCh38, 1-based): chr9:131,510,064, T>C. VCF-style: chr9-131510064-T-C. GRCh37 (hg19) VCF-style: chr9-134385451-T-C.
Other names: c.605T>C, p.Val202Ala (NM_001374689.1); c.603+2T>C (NM_001353198.2, NM_001353197.2); c.765+2T>C (NM_001353193.2, NM_007171.4); c.699+68T>C (NM_001136113.2, NM_001374690.1); c.537+68T>C (NM_001353194.2, NM_001077366.2, NM_001374693.1); c.348+68T>C (NM_001374691.1, NM_001353195.2, NM_001374692.1 and 1 more transcripts); c.609+68T>C (NM_001353196.2); c.309+2T>C (NM_001374695.1); and 3 more; short protein forms V202A.
Identifiers: ClinVar variation 1698626 (VCV001698626.8), dbSNP rs759254028, ClinGen allele CA5293388.

ClinVar aggregate classification (germline): Conflicting classifications of pathogenicity. Review status: criteria provided, conflicting classifications (1 of 4 stars). 4 submissions from 4 submitters: Likely pathogenic (3); Uncertain significance (1). Last evaluated 2025-04-11.

Conditions:
Walker-Warburg congenital muscular dystrophy. Also called: Muscular dystrophy-dystroglycanopathy, type A; Walker-Warburg syndrome. Identifiers: Orphanet 899, MedGen C0265221, MONDO:0000171.
Autosomal recessive limb-girdle muscular dystrophy type 2K. Also called: MUSCULAR DYSTROPHY-DYSTROGLYCANOPATHY (LIMB-GIRDLE), TYPE C, 1; MUSCULAR DYSTROPHY, LIMB-GIRDLE, TYPE 2K. Identifiers: Orphanet 86812, MedGen C1836373, MONDO:0012248, OMIM 609308.
Muscular dystrophy-dystroglycanopathy (congenital with impaired intellectual development), type B, 1. Also called: Muscular dystrophy-dystroglycanopathy (congenital with intellectual disability), type B1; MUSCULAR DYSTROPHY, CONGENITAL, POMT1-RELATED. Identifiers: MedGen C5436962, MONDO:0013159, OMIM 613155.
Inborn genetic diseases. Identifiers: MedGen C0950123, MeSH D030342.
Muscular dystrophy-dystroglycanopathy (congenital with brain and eye anomalies), type A1 (MDDGA1). Also called: COD-MD SYNDROME; WALKER-WARBURG SYNDROME OR MUSCLE-EYE-BRAIN DISEASE, POMT1-RELATED; Hydrocephalus, agyria and retinal dysplasia; Hard +/- E syndrome; Warburg syndrome; Chemke syndrome. Identifiers: Orphanet 588, Orphanet 899, MedGen C4284790, MONDO:0009364, OMIM 236670.
Autosomal recessive limb-girdle muscular dystrophy. Identifiers: Orphanet 102015, MedGen C2931907, MONDO:0015152.

Allele frequency attached by ClinVar (database versions not stated): gnomAD exomes below 0.00001 and 0.00001; ExAC 0.00001.

Submissions (4):

Baylor Genetics
Classification: Uncertain significance for Muscular dystrophy-dystroglycanopathy (congenital with brain and eye anomalies), type A1. Last evaluated: 2025-04-11. Review status: criteria provided, single submitter. Criteria: ACMG Guidelines, 2015. Collection method: clinical testing. Allele origin: unknown.
Comment: Classified VUS because we curate POMT1 exon 8 variants with regard to MANE isoform NM_001077365.2, not NM_007171.4. Splicing algorithms agree with MANE, showing that the natural splicing site is expected to be after c.699. And this conclusion is strengthened by the benign nature of NM_007171.4(POMT1):c.751C>T(p.Gln251Ter) which is also known as NM_001077365.2(POMT1):c.699+52C>T in ClinVar 95466.

Labcorp Genetics (formerly Invitae), Labcorp
Classification: Likely pathogenic for Muscular dystrophy-dystroglycanopathy (congenital with impaired intellectual development), type B, 1; Walker-Warburg congenital muscular dystrophy; Autosomal recessive limb-girdle muscular dystrophy type 2K. Last evaluated: 2024-01-08. Review status: criteria provided, single submitter. Criteria: Invitae Variant Classification Sherloc (09022015). Collection method: clinical testing. Allele origin: germline.
Comment: This sequence change affects a donor splice site in intron 8 of the POMT1 gene. It is expected to disrupt RNA splicing. Variants that disrupt the donor or acceptor splice site typically lead to a loss of protein function (PMID: 16199547), and loss-of-function variants in POMT1 are known to be pathogenic (PMID: 12369018, 15637732, 16575835). This variant is present in population databases (rs759254028, gnomAD 0.002%). This variant has not been reported in the literature in individuals affected with POMT1-related conditions. ClinVar contains an entry for this variant (Variation ID: 1698626). In summary, the currently available evidence indicates that the variant is pathogenic, but additional data are needed to prove that conclusively. Therefore, this variant has been classified as Likely Pathogenic.

Women's Health and Genetics/Laboratory Corporation of America, LabCorp
Classification: Likely pathogenic for Autosomal recessive limb-girdle muscular dystrophy. Last evaluated: 2022-06-23. Review status: criteria provided, single submitter. Criteria: LabCorp Variant Classification Summary - May 2015. Collection method: clinical testing. Allele origin: germline.
Comment: Variant summary: POMT1 c.765+2T>C is located in a canonical splice-site and is predicted to affect mRNA splicing resulting in a significantly altered protein due to either exon skipping, shortening, or inclusion of intronic material. Several computational tools predict a significant impact on normal splicing: Four predict the variant abolishes a 5 prime splicing donor site. However, these predictions have yet to be confirmed by functional studies. The variant allele was found at a frequency of 8e-06 in 251020 control chromosomes (gnomAD). To our knowledge, no occurrence of c.765+2T>C in individuals affected with Limb-Girdle Muscular Dystrophy, Autosomal Recessive and no experimental evidence demonstrating its impact on protein function have been reported. No clinical diagnostic laboratories have submitted clinical-significance assessments for this variant to ClinVar after 2014. Based on the evidence outlined above, the variant was classified as likely pathogenic.

Ambry Genetics
Classification: Likely pathogenic for Inborn genetic diseases. Last evaluated: 2014-12-24. Review status: criteria provided, single submitter. Criteria: Ambry Variant Classification Scheme 2023. Collection method: clinical testing. Allele origin: germline.
Comment: The c.765+2T>C intronic alteration consists of a T to C substitution nucleotides after coding exon 7 in the POMT1 gene. Based on the available evidence, this alteration is classified as likely pathogenic.

Literature cited by the submitters: PubMed 16199547 (cited by Labcorp Genetics (formerly Invitae), Labcorp); PubMed 12369018 (cited by Labcorp Genetics (formerly Invitae), Labcorp); PubMed 15637732 (cited by Labcorp Genetics (formerly Invitae), Labcorp); PubMed 16575835 (cited by Labcorp Genetics (formerly Invitae), Labcorp).